The following is an entry in ClinVar:

NM_000059.4(BRCA2):c.1439G>A (p.Cys480Tyr)

Gene: BRCA2 (BRCA2 DNA repair associated; plus strand). Cytogenetic location: 13q13.1.
Variant type: single nucleotide variant.
Coding change: c.1439G>A on transcript NM_000059.4 (MANE Select); coding-DNA position 1439, G replaced by A.
Protein change: p.Cys480Tyr; replaces cysteine 480 with tyrosine.
Molecular consequence: missense variant.
Genome position (GRCh38, 1-based): chr13:32,332,917, G>A. VCF-style: chr13-32332917-G-A. GRCh37 (hg19) VCF-style: chr13-32907054-G-A.
Other names: short protein forms C480Y.
Identifiers: ClinVar variation 142694 (VCV000142694.16), dbSNP rs587782648, ClinGen allele CA012042.
Genomic context (GRCh38, chr13:32,332,917, plus strand): 5'-ATGAGGAAACAGTGGTAAATAAGAGAGATGAAGAGCAGCATCTTGAATCTCATACAGACT[G>A]CATTCTTGCAGTAAAGCAGGCAATATCTGGAACTTCTCCAGTGGCTTCTTCATTTCAGGG-3'
Protein context (NP_000050.3, residues 470-490): EEQHLESHTD[Cys480Tyr]ILAVKQAISG

ClinVar aggregate classification (germline): Conflicting classifications of pathogenicity. Review status: criteria provided, conflicting classifications (1 of 4 stars). 3 submissions from 3 submitters: Uncertain significance (1); Likely benign (2). Last evaluated 2025-09-16.

Conditions:
Hereditary cancer-predisposing syndrome. Also called: Hereditary Cancer Syndrome; Neoplastic Syndromes, Hereditary; Hereditary neoplastic syndrome; Tumor predisposition. Identifiers: Orphanet 140162, MedGen C0027672, MeSH D009386, MONDO:0015356.
Hereditary breast ovarian cancer syndrome. Also called: BRCA1- and BRCA2-Associated Hereditary Breast and Ovarian Cancer; Hereditary breast and ovarian cancer syndrome; Hereditary breast and/or ovarian cancer syndrome; Breast and ovarian cancer; Hereditary breast and ovarian cancer; Hereditary breast and ovarian cancer syndrome (HBOC). Identifiers: Orphanet 145, MedGen C0677776, MeSH D061325, MONDO:0003582. Disease mechanism: loss of function.

Allele frequency attached by ClinVar (database versions not stated): gnomAD exomes below 0.00001.
gnomAD v4.1: 6 of 1,608,762 alleles (0.00037%); highest among the groups gnomAD compares: East Asian, 0.011%; no homozygotes.

Submissions (3):

Ambry Genetics
Classification: Likely benign for Hereditary cancer-predisposing syndrome. Last evaluated: 2025-09-16. Review status: criteria provided, single submitter. Criteria: Ambry Variant Classification Scheme 2023. Collection method: clinical testing. Allele origin: germline.

Labcorp Genetics (formerly Invitae), Labcorp
Classification: Uncertain significance for Hereditary breast ovarian cancer syndrome. Last evaluated: 2025-07-07. Review status: criteria provided, single submitter. Criteria: Invitae Variant Classification Sherloc (09022015). Collection method: clinical testing. Allele origin: germline.
Comment: This sequence change replaces cysteine, which is neutral and slightly polar, with tyrosine, which is neutral and polar, at codon 480 of the BRCA2 protein (p.Cys480Tyr). This variant is not present in population databases (gnomAD no frequency). This variant has not been reported in the literature in individuals affected with BRCA2-related conditions. ClinVar contains an entry for this variant (Variation ID: 142694). Invitae Evidence Modeling of protein sequence and biophysical properties (such as structural, functional, and spatial information, amino acid conservation, physicochemical variation, residue mobility, and thermodynamic stability) indicates that this missense variant is not expected to disrupt BRCA2 protein function with a negative predictive value of 95%. Experimental studies have shown that this missense change does not substantially affect BRCA2 function (PMID: 37731132). In summary, the available evidence is currently insufficient to determine the role of this variant in disease. Therefore, it has been classified as a Variant of Uncertain Significance.

University of Washington Department of Laboratory Medicine, University of Washington
Classification: Likely benign for Hereditary cancer-predisposing syndrome. Last evaluated: 2023-03-23. Review status: criteria provided, single submitter. Criteria: Dines et al. (Genet Med. 2020). Collection method: curation. Allele origin: germline.
Comment: Missense variant in a coldspot region where missense variants are very unlikely to be pathogenic (PMID:31911673).

BRCA2 exon 10 coldspot. Reclassification based on statistical prior probability.

Literature cited by the submitters: PubMed 37731132 (cited by Labcorp Genetics (formerly Invitae), Labcorp).